The following is an entry in ClinVar:

ClinVar aggregate classification (germline): Conflicting classifications of pathogenicity. Review status: criteria provided, conflicting classifications (1 of 4 stars). 5 submissions from 5 submitters: Uncertain significance (3); Likely benign (1). 1 of the submissions does not count toward it. Last evaluated 2026-01-02.

Conditions:
SLC10A2-related disorder. Also called: SLC10A2-related condition.
Bile acid malabsorption, primary, 1 (PBAM1). Also called: Bile acid malabsorption, primary. Identifiers: MedGen C5561934, MONDO:0013214, OMIM 613291.

Allele frequency attached by ClinVar (database versions not stated): 1000 Genomes Project 0.00020; 1000 Genomes Project 30x 0.00031; gnomAD exomes 0.00035 and 0.00045; gnomAD 0.00039 and 0.00041; TOPMed 0.00041; ExAC 0.00049.
gnomAD v4.1: 595 of 1,613,794 alleles (0.037%); highest among the groups gnomAD compares: Middle Eastern, 0.23%; 2 homozygotes.

Submissions (5):

Labcorp Genetics (formerly Invitae), Labcorp
Classification: Uncertain significance. Last evaluated: 2026-01-02. Review status: criteria provided, single submitter. Criteria: Invitae Variant Classification Sherloc (09022015). Collection method: clinical testing. Allele origin: germline.
Comment: This sequence change replaces glycine, which is neutral and non-polar, with arginine, which is basic and polar, at codon 139 of the SLC10A2 protein (p.Gly139Arg). This variant is present in population databases (rs200749358, gnomAD 0.2%), and has an allele count higher than expected for a pathogenic variant. This variant has not been reported in the literature in individuals affected with SLC10A2-related conditions. ClinVar contains an entry for this variant (Variation ID: 593282). Invitae Evidence Modeling of protein sequence and biophysical properties (such as structural, functional, and spatial information, amino acid conservation, physicochemical variation, residue mobility, and thermodynamic stability) indicates that this missense variant is expected to disrupt SLC10A2 protein function with a positive predictive value of 80%. In summary, the available evidence is currently insufficient to determine the role of this variant in disease. Therefore, it has been classified as a Variant of Uncertain Significance.

Mayo Clinic Laboratories, Mayo Clinic
Classification: Uncertain significance. Last evaluated: 2025-08-29. Review status: criteria provided, single submitter. Criteria: ACMG Guidelines, 2015. Collection method: clinical testing. Allele origin: germline. Observed: 1 variant allele.

Blueprint Genetics
Classification: Likely benign. Last evaluated: 2024-10-24. Review status: criteria provided, single submitter. Criteria: ACMG Guidelines, 2015. Collection method: clinical testing. Allele origin: germline.

Eurofins Ntd Llc (ga)
Classification: Uncertain significance. Last evaluated: 2017-07-19. Review status: criteria provided, single submitter. Criteria: EGL Classification Definitions 2015. Collection method: clinical testing. Allele origin: germline. Observed: 3 variant alleles, 3 heterozygotes.

PreventionGenetics, part of Exact Sciences
Classification: Likely benign for SLC10A2-related condition. Last evaluated: 2022-03-04. Review status: no assertion criteria provided. Collection method: clinical testing. Allele origin: germline. Not counted in ClinVar's aggregate classification.
Comment: This variant is classified as likely benign based on ACMG/AMP sequence variant interpretation guidelines (Richards et al. 2015 PMID: 25741868, with internal and published modifications).

NM_000452.3(SLC10A2):c.415G>A (p.Gly139Arg)

Gene: SLC10A2 (solute carrier family 10 member 2; minus strand). Cytogenetic location: 13q33.1.
Variant type: single nucleotide variant.
Coding change: c.415G>A on transcript NM_000452.3 (MANE Select); coding-DNA position 415, G replaced by A.
Protein change: p.Gly139Arg; replaces glycine 139 with arginine.
Molecular consequence: missense variant.
Genome position (GRCh38, 1-based): chr13:103,058,345, C>T on the plus strand (G>A on the coding strand, the complement: SLC10A2 is on the minus strand). VCF-style: chr13-103058345-C-T. GRCh37 (hg19) VCF-style: chr13-103710695-C-T.
Other names: p.Gly139Arg; c.415G>A (NM_000452.2); short protein forms G139R.
Identifiers: ClinVar variation 593282 (VCV000593282.14), dbSNP rs200749358, ClinGen allele CA7042229.